The following is an entry in ClinVar:

NM_000492.4(CFTR):c.164+4T>A

Gene: CFTR (CF transmembrane conductance regulator; plus strand). Cytogenetic location: 7q31.2.
Variant type: single nucleotide variant.
Coding change: c.164+4T>A on transcript NM_000492.4 (MANE Select); 4 bases into the intron after coding-DNA position 164, T replaced by A.
Molecular consequence: intron variant.
Genome position (GRCh38, 1-based): chr7:117,504,367, T>A. VCF-style: chr7-117504367-T-A. GRCh37 (hg19) VCF-style: chr7-117144421-T-A.
Identifiers: ClinVar variation 3063757 (VCV003063757.2), dbSNP rs2484968470, ClinGen allele CA2740097513.

ClinVar aggregate classification (germline): Uncertain significance (1 of 4 stars; one submission).

Submission:

Women's Health and Genetics/Laboratory Corporation of America, LabCorp
Classification: Uncertain significance. Last evaluated: 2025-12-08. Review status: criteria provided, single submitter. Criteria: LabCorp Variant Classification Summary - May 2015. Collection method: clinical testing. Allele origin: germline.
Comment: Variant summary: CFTR c.164+4T>A alters a conserved nucleotide located close to a canonical splice site and therefore could affect mRNA splicing, leading to a significantly altered protein sequence. Consensus agreement among computation tools predict no significant impact on normal splicing. However, these predictions have yet to be confirmed by functional studies. The variant was absent in 249608 control chromosomes. The available data on variant occurrences in the general population are insufficient to allow any conclusion about variant significance. c.164+4T>A has not been reported in the literature in individuals affected with Cystic Fibrosis. To our knowledge, no experimental evidence demonstrating an impact on protein function has been reported. The following publication have been ascertained in the context of this evaluation (PMID: 23810505). ClinVar contains an entry for this variant (Variation ID: 3063757). Based on the evidence outlined above, the variant was classified as uncertain significance.

Literature cited by the submitters: PubMed 23810505.